The following is an entry in ClinVar:

ClinVar aggregate classification (germline): Uncertain significance (1 of 4 stars; one submission).

Conditions:
Susceptibility to respiratory infections associated with CD8alpha chain mutation (IMD116). Also called: IMMUNODEFICIENCY 116; Cd8 deficiency, familial. Identifiers: Orphanet 169085, MedGen C1837065, MONDO:0012161, OMIM 608957.

Submission:

Labcorp Genetics (formerly Invitae), Labcorp
Classification: Uncertain significance for Susceptibility to respiratory infections associated with CD8alpha chain mutation. Last evaluated: 2022-08-23. Review status: criteria provided, single submitter. Criteria: Invitae Variant Classification Sherloc (09022015). Collection method: clinical testing. Allele origin: germline.
Comment: This variant is not present in population databases (gnomAD no frequency). In summary, the available evidence is currently insufficient to determine the role of this variant in disease. Therefore, it has been classified as a Variant of Uncertain Significance. Algorithms developed to predict the effect of missense changes on protein structure and function (SIFT, PolyPhen-2, Align-GVGD) all suggest that this variant is likely to be disruptive. ClinVar contains an entry for this variant (Variation ID: 963927). This variant has not been reported in the literature in individuals affected with CD8A-related conditions. This sequence change replaces leucine, which is neutral and non-polar, with arginine, which is basic and polar, at codon 73 of the CD8A protein (p.Leu73Arg).

NM_001768.7(CD8A):c.218T>G (p.Leu73Arg)

Gene: CD8A (CD8 subunit alpha; minus strand). Cytogenetic location: 2p11.2.
Variant type: single nucleotide variant.
Coding change: c.218T>G on transcript NM_001768.7 (MANE Select); coding-DNA position 218, T replaced by G.
Protein change: p.Leu73Arg; replaces leucine 73 with arginine.
Molecular consequence: missense variant. On other transcripts: non-coding transcript variant (3).
Genome position (GRCh38, 1-based): chr2:86,790,513, A>C on the plus strand (T>G on the coding strand, the complement: CD8A is on the minus strand). VCF-style: chr2-86790513-A-C. GRCh37 (hg19) VCF-style: chr2-87017636-A-C.
Other names: c.218T>G, p.Leu73Arg (NM_001145873.1, NM_001382698.1, NM_171827.4); short protein forms L73R.
Identifiers: ClinVar variation 963927 (VCV000963927.10), dbSNP rs1673237981, ClinGen allele CA347577077.